The following is an entry in ClinVar:

ClinVar aggregate classification (germline): Uncertain significance. Review status: criteria provided, multiple submitters, no conflicts (2 of 4 stars). 2 submissions from 2 submitters: Uncertain significance (2). Last evaluated 2025-08-12.

gnomAD v4.1: 11 of 1,604,978 alleles (0.00069%); highest among the groups gnomAD compares: Non-Finnish European, 0.00094%; no homozygotes.

Submissions (2):

Ambry Genetics
Classification: Uncertain significance. Last evaluated: 2025-08-12. Review status: criteria provided, single submitter. Criteria: Ambry Variant Classification Scheme 2023. Collection method: clinical testing. Allele origin: germline.

Mayo Clinic Laboratories, Mayo Clinic
Classification: Uncertain significance. Last evaluated: 2024-06-11. Review status: criteria provided, single submitter. Criteria: ACMG Guidelines, 2015. Collection method: clinical testing. Allele origin: germline. Observed: 1 variant allele.
Comment: BP4, PM2_moderate

NM_152795.4(HIF3A):c.1638C>A (p.Asp546Glu)

Gene: HIF3A (hypoxia inducible factor 3 subunit alpha; plus strand). Cytogenetic location: 19q13.32.
Variant type: single nucleotide variant.
Coding change: c.1638C>A on transcript NM_152795.4 (MANE Select); coding-DNA position 1638, C replaced by A.
Protein change: p.Asp546Glu; replaces aspartic acid 546 with glutamic acid.
Molecular consequence: missense variant. On other transcripts: intron variant (1).
Genome position (GRCh38, 1-based): chr19:46,329,404, C>A. VCF-style: chr19-46329404-C-A. GRCh37 (hg19) VCF-style: chr19-46832661-C-A.
Other names: p.Asp546Glu; c.1431C>A, p.Asp477Glu (NM_022462.4); c.1632C>A, p.Asp544Glu (NM_152794.4); c.1233+3765C>A (NM_152796.2); c.1638C>A (NM_152795.3); short protein forms D477E, D544E, D546E.
Identifiers: ClinVar variation 3380627 (VCV003380627.2).